The following is an entry in ClinVar:

NM_022369.4(STRA6):c.928-11G>A

Gene: STRA6 (signaling receptor and transporter of retinol STRA6; minus strand). Cytogenetic location: 15q24.1.
Variant type: single nucleotide variant.
Coding change: c.928-11G>A on transcript NM_022369.4 (MANE Select); 11 bases into the intron before coding-DNA position 928, G replaced by A.
Molecular consequence: intron variant.
Genome position (GRCh38, 1-based): chr15:74,189,288, C>T on the plus strand (G>A on the coding strand, the complement: STRA6 is on the minus strand). VCF-style: chr15-74189288-C-T. GRCh37 (hg19) VCF-style: chr15-74481629-C-T.
Other names: c.1039-11G>A (NM_001199040.2); c.901-11G>A (NM_001142619.2); c.928-11G>A (NM_001142617.2, NM_001142618.2); c.973-11G>A (NM_001199041.2); c.1045-11G>A (NM_001199042.2).
Identifiers: ClinVar variation 3372303 (VCV003372303.1).

ClinVar aggregate classification (germline): Uncertain significance (1 of 4 stars; one submission).

gnomAD v4.1: 4 of 1,585,394 alleles (0.00025%); highest among the groups gnomAD compares: Middle Eastern, 0.017%; 1 homozygote.

Submission:

GeneDx
Classification: Uncertain significance. Last evaluated: 2024-04-30. Review status: criteria provided, single submitter. Criteria: GeneDx Variant Classification Process June 2021. Collection method: clinical testing. Allele origin: germline. Affected: yes.
Comment: In silico analysis indicates that this variant does not alter splicing; Not observed at significant frequency in large population cohorts (gnomAD); This variant is associated with the following publications: (PMID: 37644014)